The following is an entry in ClinVar:

NM_001323289.2(CDKL5):c.1213C>G (p.Leu405Val)

Gene: CDKL5 (cyclin dependent kinase like 5; plus strand). Cytogenetic location: Xp22.13.
Variant type: single nucleotide variant.
Coding change: c.1213C>G on transcript NM_001323289.2 (MANE Select); coding-DNA position 1213, C replaced by G.
Protein change: p.Leu405Val; replaces leucine 405 with valine.
Molecular consequence: missense variant.
Genome position (GRCh38, 1-based): chrX:18,604,137, C>G. VCF-style: chrX-18604137-C-G. GRCh37 (hg19) VCF-style: chrX-18622257-C-G.
Other names: c.1213C>G, p.Leu405Val (NM_001037343.2, NM_003159.3); short protein forms L405V.
Identifiers: ClinVar variation 533387 (VCV000533387.9), dbSNP rs1555951984, ClinGen allele CA412359962.

ClinVar aggregate classification (germline): Uncertain significance (1 of 4 stars; one submission).

Conditions:
Developmental and epileptic encephalopathy, 2 (DEE2). Also called: INFANTILE SPASM SYNDROME, X-LINKED 2; CDKL5 deficiency disorder. Identifiers: Orphanet 1934, Orphanet 3451, Orphanet 505652, MedGen C4750718, MONDO:0010396, OMIM 300672.
Angelman syndrome-like. Identifiers: MedGen CN128785.

Allele frequency attached by ClinVar (database versions not stated): gnomAD exomes below 0.00001.
gnomAD v4.1: 1 of 1,211,760 alleles (0.000083%); highest among the groups gnomAD compares: Admixed American, 0.0022%; no homozygotes.

Submission:

Labcorp Genetics (formerly Invitae), Labcorp
Classification: Uncertain significance for Developmental and epileptic encephalopathy, 2; Angelman syndrome-like. Last evaluated: 2022-08-23. Review status: criteria provided, single submitter. Criteria: Invitae Variant Classification Sherloc (09022015). Collection method: clinical testing. Allele origin: germline.
Comment: This variant is not present in population databases (gnomAD no frequency). This sequence change replaces leucine, which is neutral and non-polar, with valine, which is neutral and non-polar, at codon 405 of the CDKL5 protein (p.Leu405Val). This missense change has been observed in individual(s) with clinical features of CDKL5-related conditions (Invitae). In summary, the available evidence is currently insufficient to determine the role of this variant in disease. Therefore, it has been classified as a Variant of Uncertain Significance. Advanced modeling of protein sequence and biophysical properties (such as structural, functional, and spatial information, amino acid conservation, physicochemical variation, residue mobility, and thermodynamic stability) performed at Invitae indicates that this missense variant is not expected to disrupt CDKL5 protein function. ClinVar contains an entry for this variant (Variation ID: 533387).